The following is an entry in ClinVar:

NM_000179.3(MSH6):c.2689A>G (p.Asn897Asp)

Gene: MSH6 (mutS homolog 6; plus strand). Cytogenetic location: 2p16.3.
Variant type: single nucleotide variant.
Coding change: c.2689A>G on transcript NM_000179.3 (MANE Select); coding-DNA position 2689, A replaced by G.
Protein change: p.Asn897Asp; replaces asparagine 897 with aspartic acid.
Molecular consequence: missense variant. On other transcripts: non-coding transcript variant (5), intron variant (2).
Genome position (GRCh38, 1-based): chr2:47,800,672, A>G. VCF-style: chr2-47800672-A-G. GRCh37 (hg19) VCF-style: chr2-48027811-A-G.
Other names: c.2299A>G, p.Asn767Asp (NM_001281492.2); c.1783A>G, p.Asn595Asp (NM_001281493.2, NM_001281494.2, NM_001406811.1 and 6 more transcripts); c.2785A>G, p.Asn929Asp (NM_001406795.1, NM_001406802.1); c.2689A>G, p.Asn897Asp (NM_001406796.1, NM_001406798.1, NM_001406800.1 and 2 more transcripts); c.2392A>G, p.Asn798Asp (NM_001406797.1, NM_001406801.1, NM_001406805.1 and 10 more transcripts); c.2164A>G, p.Asn722Asp (NM_001406799.1, NM_001406806.1, NM_001406807.1); c.2611A>G, p.Asn871Asp (NM_001406804.1); c.2695A>G, p.Asn899Asp (NM_001406813.1); and 4 more; short protein forms N722D, N798D, N595D, N899D, N929D, N212D, N767D, N841D.
Identifiers: ClinVar variation 2824313 (VCV002824313.6), dbSNP rs1064794771, ClinGen allele CA346755297.

ClinVar aggregate classification (germline): Uncertain significance. Review status: criteria provided, multiple submitters, no conflicts (2 of 4 stars). 4 submissions from 4 submitters: Uncertain significance (4). Last evaluated 2025-06-17.

Conditions:
Hereditary nonpolyposis colorectal neoplasms. Identifiers: MedGen C0009405, MeSH D003123.
Hereditary cancer-predisposing syndrome. Also called: Neoplastic Syndromes, Hereditary; Hereditary neoplastic syndrome; Tumor predisposition; Hereditary Cancer Syndrome. Identifiers: Orphanet 140162, MedGen C0027672, MeSH D009386, MONDO:0015356.

Allele frequency attached by ClinVar (database versions not stated): gnomAD exomes below 0.00001.
gnomAD v4.1: 3 of 1,614,220 alleles (0.00019%); highest among the groups gnomAD compares: Non-Finnish European, 0.00025%; no homozygotes.

Submissions (4):

Color Diagnostics, LLC DBA Color Health
Classification: Uncertain significance for Hereditary cancer-predisposing syndrome. Last evaluated: 2025-06-17. Review status: criteria provided, single submitter. Criteria: ACMG Guidelines, 2015. Collection method: clinical testing. Allele origin: germline.
Comment: This missense variant replaces asparagine with aspartic acid at codon 897 of the MSH6 protein. Computational prediction suggests that this variant may not impact protein structure and function. To our knowledge, functional studies have not been reported for this variant. This variant has not been reported in individuals affected with MSH6-related disorders in the literature. This variant has not been identified in the general population by the Genome Aggregation Database (gnomAD). The available evidence is insufficient to determine the role of this variant in disease conclusively. Therefore, this variant is classified as a Variant of Uncertain Significance.

Labcorp Genetics (formerly Invitae), Labcorp
Classification: Uncertain significance for Hereditary nonpolyposis colorectal neoplasms. Last evaluated: 2025-03-30. Review status: criteria provided, single submitter. Criteria: Invitae Variant Classification Sherloc (09022015). Collection method: clinical testing. Allele origin: germline.
Comment: This sequence change replaces asparagine, which is neutral and polar, with aspartic acid, which is acidic and polar, at codon 897 of the MSH6 protein (p.Asn897Asp). This variant is not present in population databases (gnomAD no frequency). This variant has not been reported in the literature in individuals affected with MSH6-related conditions. ClinVar contains an entry for this variant (Variation ID: 2824313). Invitae Evidence Modeling of protein sequence and biophysical properties (such as structural, functional, and spatial information, amino acid conservation, physicochemical variation, residue mobility, and thermodynamic stability) indicates that this missense variant is not expected to disrupt MSH6 protein function with a negative predictive value of 95%. In summary, the available evidence is currently insufficient to determine the role of this variant in disease. Therefore, it has been classified as a Variant of Uncertain Significance.

Ambry Genetics
Classification: Uncertain significance for Hereditary cancer-predisposing syndrome. Last evaluated: 2024-08-06. Review status: criteria provided, single submitter. Criteria: Ambry Variant Classification Scheme 2023. Collection method: clinical testing. Allele origin: germline.
Comment: The p.N897D variant (also known as c.2689A>G), located in coding exon 4 of the MSH6 gene, results from an A to G substitution at nucleotide position 2689. The asparagine at codon 897 is replaced by aspartic acid, an amino acid with highly similar properties. This amino acid position is conserved. In addition, this alteration is predicted to be tolerated by in silico analysis. Based on the available evidence, the clinical significance of this variant remains unclear.

Quest Diagnostics Nichols Institute San Juan Capistrano
Classification: Uncertain significance. Last evaluated: 2023-11-27. Review status: criteria provided, single submitter. Criteria: Quest Diagnostics criteria. Collection method: clinical testing. Allele origin: unknown.
Comment: The MSH6 c.2689A>G (p.Asn897Asp) variant has not been reported in individuals with MSH6-related conditions in the published literature. It also has not been reported in large, multi-ethnic general populations (Genome Aggregation Database). Analysis of this variant using bioinformatics tools for the prediction of the effect of amino acid changes on protein structure and function yielded predictions that this variant is benign. Based on the available information, we are unable to determine the clinical significance of this variant.